The following is an entry in ClinVar:

ClinVar aggregate classification (germline): Uncertain significance. Review status: criteria provided, multiple submitters, no conflicts (2 of 4 stars). 3 submissions from 3 submitters: Uncertain significance (2). 1 of the submissions does not count toward it. Last evaluated 2025-02-09.

Conditions:
Inborn genetic diseases. Identifiers: MedGen C0950123, MeSH D030342.
Retinal dystrophy. Also called: Inherited retinal dystrophy. Identifiers: Orphanet 71862, MedGen C0854723, MeSH D058499, MONDO:0019118, HP:0000556.

Allele frequency attached by ClinVar (database versions not stated): ExAC 0.00002; gnomAD 0.00002; gnomAD exomes 0.00003; TOPMed 0.00003.
gnomAD v4.1: 41 of 1,613,832 alleles (0.0025%); highest among the groups gnomAD compares: Non-Finnish European, 0.0033%; no homozygotes.

Submissions (3):

Ambry Genetics
Classification: Uncertain significance for Inborn genetic diseases. Last evaluated: 2025-02-09. Review status: criteria provided, single submitter. Criteria: Ambry Variant Classification Scheme 2023. Collection method: clinical testing. Allele origin: germline.

Labcorp Genetics (formerly Invitae), Labcorp
Classification: Uncertain significance. Last evaluated: 2022-10-25. Review status: criteria provided, single submitter. Criteria: Invitae Variant Classification Sherloc (09022015). Collection method: clinical testing. Allele origin: germline.
Comment: This sequence change replaces proline, which is neutral and non-polar, with arginine, which is basic and polar, at codon 1147 of the IMPG2 protein (p.Pro1147Arg). This variant is present in population databases (rs766770392, gnomAD 0.01%). This variant has not been reported in the literature in individuals affected with IMPG2-related conditions. Advanced modeling of protein sequence and biophysical properties (such as structural, functional, and spatial information, amino acid conservation, physicochemical variation, residue mobility, and thermodynamic stability) performed at Invitae indicates that this missense variant is not expected to disrupt IMPG2 protein function. In summary, the available evidence is currently insufficient to determine the role of this variant in disease. Therefore, it has been classified as a Variant of Uncertain Significance.

Institute of Human Genetics, Univ. Regensburg, Univ. Regensburg
Classification: Uncertain significance for Retinal dystrophy. Last evaluated: 2023-01-01. Review status: no assertion criteria provided. Criteria: ACMG Guidelines, 2015. Collection method: clinical testing. Allele origin: germline. Affected: yes. Not counted in ClinVar's aggregate classification.

NM_016247.4(IMPG2):c.3440C>G (p.Pro1147Arg)

Gene: IMPG2 (interphotoreceptor matrix proteoglycan 2; minus strand). Cytogenetic location: 3q12.3.
Variant type: single nucleotide variant.
Coding change: c.3440C>G on transcript NM_016247.4 (MANE Select); coding-DNA position 3440, C replaced by G.
Protein change: p.Pro1147Arg; replaces proline 1147 with arginine.
Molecular consequence: missense variant.
Genome position (GRCh38, 1-based): chr3:101,229,573, G>C on the plus strand (C>G on the coding strand, the complement: IMPG2 is on the minus strand). VCF-style: chr3-101229573-G-C. GRCh37 (hg19) VCF-style: chr3-100948417-G-C.
Other names: c.3440C>G (NM_016247.3); short protein forms P1147R.
Identifiers: ClinVar variation 2169128 (VCV002169128.3), dbSNP rs766770392, ClinGen allele CA2518749.